The following is an entry in ClinVar:

NM_198827.5(ADGRD1):c.594T>G (p.Ser198=)

Gene: ADGRD1 (adhesion G protein-coupled receptor D1; plus strand). Cytogenetic location: 12q24.33.
Variant type: single nucleotide variant.
Coding change: c.594T>G on transcript NM_198827.5 (MANE Select); coding-DNA position 594, T replaced by G.
Protein change: p.Ser198=; no amino-acid change (serine 198 retained).
Molecular consequence: synonymous variant.
Genome position (GRCh38, 1-based): chr12:130,987,198, T>G. VCF-style: chr12-130987198-T-G. GRCh37 (hg19) VCF-style: chr12-131471743-T-G.
Other names: c.690T>G, p.Ser230= (NM_001330497.2).
Identifiers: ClinVar variation 2643598 (VCV002643598.24), dbSNP rs200124958, ClinGen allele CA245468676.
Genomic context (GRCh38, chr12:130,987,198, plus strand): 5'-GGGCCTGAAAGTCTACGTCAACGGGACCCTGAGCACCTCTGATCCGAGTGGAAAAGTGTC[T>G]CGTGACTATGGAGAGTCCAACGTCAACCTCGTGATAGGGTCTGAGCAGGACCAGGCCAAG-3'
Protein context (NP_942122.2, residues 188-208): LSTSDPSGKV[Ser198=]RDYGESNVNL

ClinVar aggregate classification (germline): Likely benign (1 of 4 stars; one submission).

Allele frequency attached by ClinVar (database versions not stated): gnomAD exomes below 0.00001.
gnomAD v4.1: 3 of 1,614,214 alleles (0.00019%); highest among the groups gnomAD compares: Non-Finnish European, 0.00025%; no homozygotes.

Submission:

CeGaT Center for Human Genetics Tuebingen
Classification: Likely benign. Last evaluated: 2023-01-01. Review status: criteria provided, single submitter. Criteria: CeGaT Center For Human Genetics Tuebingen Variant Classification Criteria Version 2. Collection method: clinical testing. Allele origin: germline. Affected: yes. Observed: 1 variant allele.
Comment: ADGRD1: PM2:Supporting, BP4, BP7